The following is an entry in ClinVar:

ClinVar aggregate classification (germline): Likely benign (1 of 4 stars; one submission).

gnomAD v4.1: 59 of 1,598,638 alleles (0.0037%); highest among the groups gnomAD compares: African/African-American, 0.029%; 1 homozygote.

Submission:

CeGaT Center for Human Genetics Tuebingen
Classification: Likely benign. Last evaluated: 2026-07-01. Review status: criteria provided, single submitter. Criteria: CeGaT Center For Human Genetics Tuebingen Variant Classification Criteria Version 2. Collection method: clinical testing. Allele origin: germline. Affected: yes. Observed: 1 variant allele.
Comment: WNT11: BP4, BP7

NM_004626.3(WNT11):c.606C>T (p.Arg202=)

Gene: WNT11 (Wnt family member 11; minus strand). Cytogenetic location: 11q13.5.
Variant type: single nucleotide variant.
Coding change: c.606C>T on transcript NM_004626.3 (MANE Select); coding-DNA position 606, C replaced by T.
Protein change: p.Arg202=; no amino-acid change (arginine 202 retained).
Molecular consequence: synonymous variant.
Genome position (GRCh38, 1-based): chr11:76,191,848, G>A on the plus strand (C>T on the coding strand, the complement: WNT11 is on the minus strand). VCF-style: chr11-76191848-G-A. GRCh37 (hg19) VCF-style: chr11-75902892-G-A.
Identifiers: ClinVar variation 5038689 (VCV005038689.1).